The following is an entry in ClinVar:

NM_006086.4(TUBB3):c.801G>A (p.Met267Ile)

Gene: TUBB3 (tubulin beta 3 class III; plus strand). Cytogenetic location: 16q24.3.
Variant type: single nucleotide variant.
Coding change: c.801G>A on transcript NM_006086.4 (MANE Select); coding-DNA position 801, G replaced by A.
Protein change: p.Met267Ile; replaces methionine 267 with isoleucine.
Molecular consequence: missense variant.
Genome position (GRCh38, 1-based): chr16:89,935,252, G>A. VCF-style: chr16-89935252-G-A. GRCh37 (hg19) VCF-style: chr16-90001660-G-A.
Other names: c.585G>A, p.Met195Ile (NM_001197181.2); short protein forms M195I, M267I.
Identifiers: ClinVar variation 2581949 (VCV002581949.1), dbSNP rs2544627720, ClinGen allele CA397475389.

ClinVar aggregate classification (germline): Uncertain significance (1 of 4 stars; one submission).

Allele frequency attached by ClinVar (database versions not stated): gnomAD exomes below 0.00001.
gnomAD v4.1: 2 of 1,613,680 alleles (0.00012%); highest among the groups gnomAD compares: Non-Finnish European, 0.00017%; no homozygotes.

Submission:

GeneDx
Classification: Uncertain significance. Last evaluated: 2023-03-30. Review status: criteria provided, single submitter. Criteria: GeneDx Variant Classification Process June 2021. Collection method: clinical testing. Allele origin: germline. Affected: yes.
Comment: Not observed at significant frequency in large population cohorts (gnomAD); Missense variants in this gene are often considered pathogenic (HGMD); In silico analysis supports that this missense variant has a deleterious effect on protein structure/function; Has not been previously published as pathogenic or benign to our knowledge